The following is an entry in ClinVar:

ClinVar aggregate classification (germline): Uncertain significance (1 of 4 stars; one submission).

Submission:

Labcorp Genetics (formerly Invitae), Labcorp
Classification: Uncertain significance. Last evaluated: 2022-05-22. Review status: criteria provided, single submitter. Criteria: Invitae Variant Classification Sherloc (09022015). Collection method: clinical testing. Allele origin: germline.
Comment: This sequence change replaces proline, which is neutral and non-polar, with leucine, which is neutral and non-polar, at codon 183 of the LOXL3 protein (p.Pro183Leu). This variant is not present in population databases (gnomAD no frequency). This variant has not been reported in the literature in individuals affected with LOXL3-related conditions. Algorithms developed to predict the effect of missense changes on protein structure and function (SIFT, PolyPhen-2, Align-GVGD) all suggest that this variant is likely to be disruptive. In summary, the available evidence is currently insufficient to determine the role of this variant in disease. Therefore, it has been classified as a Variant of Uncertain Significance.

NM_032603.5(LOXL3):c.548C>T (p.Pro183Leu)

Genes: LOXL3 (lysyl oxidase like 3; minus strand), DOK1 (docking protein 1; plus strand). Cytogenetic location: 2p13.1.
Variant type: single nucleotide variant.
Coding change: c.548C>T on transcript NM_032603.5 (MANE Select); coding-DNA position 548, C replaced by T.
Protein change: p.Pro183Leu; replaces proline 183 with leucine.
Molecular consequence: missense variant. On other transcripts: 5 prime UTR variant (1), intron variant (2).
Genome position (GRCh38, 1-based): chr2:74,549,513, G>A on the plus strand (C>T on the coding strand, the complement: LOXL3 is on the minus strand). VCF-style: chr2-74549513-G-A. GRCh37 (hg19) VCF-style: chr2-74776640-G-A.
Other names: c.-316C>T (NM_001289165.2); c.477+672C>T (NM_001289164.3); c.-358+341G>A (NM_001197260.2); short protein forms P183L.
Identifiers: ClinVar variation 1951957 (VCV001951957.5), dbSNP rs2530018086, ClinGen allele CA347394973.
Genomic context (GRCh38, chr2:74,549,513, plus strand): 5'-TTGTCGCACACTTGCGACCAGCCGTCAGGAAGCCTGACTTCCACCAGCCCCTCCGTCACG[G>A]GCAGGGGTCGTCTGCCCCACCCAACGGCGGGTCGAATTCGCACCTCCTCCACTTGCAGGT-3'
Protein context (NP_115992.1, residues 173-193): PAVGWGRRPL[Pro183Leu]VTEGLVEVRL